The following is an entry in ClinVar:

NM_020708.5(SLC12A5):c.593G>A (p.Gly198Asp)

Gene: SLC12A5 (solute carrier family 12 member 5; plus strand). Cytogenetic location: 20q13.12.
Variant type: single nucleotide variant.
Coding change: c.593G>A on transcript NM_020708.5 (MANE Select); coding-DNA position 593, G replaced by A.
Protein change: p.Gly198Asp; replaces glycine 198 with aspartic acid.
Molecular consequence: missense variant.
Genome position (GRCh38, 1-based): chr20:46,037,366, G>A. VCF-style: chr20-46037366-G-A. GRCh37 (hg19) VCF-style: chr20-44666005-G-A.
Other names: c.593G>A (NM_020708.4); c.662G>A, p.Gly221Asp (NM_001134771.2); short protein forms G198D, G221D.
Identifiers: ClinVar variation 3955132 (VCV003955132.2).

ClinVar aggregate classification (germline): Uncertain significance. Review status: criteria provided, multiple submitters, no conflicts (2 of 4 stars). 2 submissions from 2 submitters: Uncertain significance (2). Last evaluated 2025-03-28.

Conditions:
SLC12A5-related disorder. Also called: SLC12A5-related condition.

Submissions (2):

Ambry Genetics
Classification: Uncertain significance. Last evaluated: 2025-03-28. Review status: criteria provided, single submitter. Criteria: Ambry Variant Classification Scheme 2023. Collection method: clinical testing. Allele origin: germline.

PreventionGenetics, part of Exact Sciences
Classification: Uncertain significance for SLC12A5-related condition. Last evaluated: 2025-03-10. Review status: criteria provided, single submitter. Criteria: ACMG Guidelines, 2015. Collection method: clinical testing. Allele origin: germline.
Comment: The SLC12A5 c.593G>A variant is predicted to result in the amino acid substitution p.Gly198Asp. To our knowledge, this variant has not been reported in the literature or in a large population database (gnomAD), indicating it is rare. At this time, the clinical significance of this variant is uncertain due to the absence of conclusive functional and genetic evidence.